The following is an entry in ClinVar:

ClinVar aggregate classification (germline): Uncertain significance (1 of 4 stars; one submission).

Allele frequency attached by ClinVar (database versions not stated): gnomAD 0.00001; TOPMed 0.00002.

Submission:

Labcorp Genetics (formerly Invitae), Labcorp
Classification: Uncertain significance. Last evaluated: 2021-08-14. Review status: criteria provided, single submitter. Criteria: Invitae Variant Classification Sherloc (09022015). Collection method: clinical testing. Allele origin: germline.
Comment: This sequence change replaces threonine with lysine at codon 12 of the DGAT1 protein (p.Thr12Lys). The threonine residue is moderately conserved and there is a moderate physicochemical difference between threonine and lysine. The frequency data for this variant in the population databases is considered unreliable, as metrics indicate insufficient coverage at this position in the ExAC database. This variant has not been reported in the literature in individuals affected with DGAT1-related conditions. Algorithms developed to predict the effect of missense changes on protein structure and function are either unavailable or do not agree on the potential impact of this missense change (SIFT: "Tolerated"; PolyPhen-2: "Not Available"; Align-GVGD: "Class C0"). In summary, the available evidence is currently insufficient to determine the role of this variant in disease. Therefore, it has been classified as a Variant of Uncertain Significance.

NM_012079.6(DGAT1):c.35C>A (p.Thr12Lys)

Genes: DGAT1 (diacylglycerol O-acyltransferase 1; minus strand), LOC130001386 (ATAC-STARR-seq lymphoblastoid silent region 19673; plus strand). Cytogenetic location: 8q24.3.
Variant type: single nucleotide variant.
Coding change: c.35C>A on transcript NM_012079.6 (MANE Select); coding-DNA position 35, C replaced by A.
Protein change: p.Thr12Lys; replaces threonine 12 with lysine.
Molecular consequence: missense variant.
Genome position (GRCh38, 1-based): chr8:144,326,602, G>T on the plus strand (C>A on the coding strand, the complement: DGAT1 is on the minus strand). VCF-style: chr8-144326602-G-T. GRCh37 (hg19) VCF-style: chr8-145550265-G-T.
Other names: short protein forms T12K.
Identifiers: ClinVar variation 1474695 (VCV001474695.5), dbSNP rs1346485172, ClinGen allele CA372613529.